The following is an entry in ClinVar:

ClinVar aggregate classification (germline): Uncertain significance. Review status: criteria provided, multiple submitters, no conflicts (2 of 4 stars). 2 submissions from 2 submitters: Uncertain significance (2). Last evaluated 2026-01-14.

Conditions:
Inborn genetic diseases. Identifiers: MedGen C0950123, MeSH D030342.

gnomAD v4.1: 2 of 1,613,946 alleles (0.00012%); highest among the groups gnomAD compares: Non-Finnish European, 0.00017%; no homozygotes.

Submissions (2):

Labcorp Genetics (formerly Invitae), Labcorp
Classification: Uncertain significance. Last evaluated: 2026-01-14. Review status: criteria provided, single submitter. Criteria: Invitae Variant Classification Sherloc (09022015). Collection method: clinical testing. Allele origin: germline.
Comment: This sequence change replaces threonine, which is neutral and polar, with isoleucine, which is neutral and non-polar, at codon 630 of the MYH9 protein (p.Thr630Ile). This variant is not present in population databases (gnomAD no frequency). This variant has not been reported in the literature in individuals affected with MYH9-related conditions. ClinVar contains an entry for this variant (Variation ID: 2218310). Invitae Evidence Modeling of protein sequence and biophysical properties (such as structural, functional, and spatial information, amino acid conservation, physicochemical variation, residue mobility, and thermodynamic stability) indicates that this missense variant is not expected to disrupt MYH9 protein function with a negative predictive value of 95%. In summary, the available evidence is currently insufficient to determine the role of this variant in disease. Therefore, it has been classified as a Variant of Uncertain Significance.

Ambry Genetics
Classification: Uncertain significance for Inborn genetic diseases. Last evaluated: 2021-09-17. Review status: criteria provided, single submitter. Criteria: Ambry Variant Classification Scheme 2023. Collection method: clinical testing. Allele origin: germline.

NM_002473.6(MYH9):c.1889C>T (p.Thr630Ile)

Gene: MYH9 (myosin heavy chain 9; minus strand). Cytogenetic location: 22q12.3.
Variant type: single nucleotide variant.
Coding change: c.1889C>T on transcript NM_002473.6 (MANE Select); coding-DNA position 1889, C replaced by T.
Protein change: p.Thr630Ile; replaces threonine 630 with isoleucine.
Molecular consequence: missense variant.
Genome position (GRCh38, 1-based): chr22:36,306,562, G>A on the plus strand (C>T on the coding strand, the complement: MYH9 is on the minus strand). VCF-style: chr22-36306562-G-A. GRCh37 (hg19) VCF-style: chr22-36702608-G-A.
Other names: short protein forms T630I.
Identifiers: ClinVar variation 2218310 (VCV002218310.3), dbSNP rs1186383756, ClinGen allele CA411397990.